The following is an entry in ClinVar:

NM_138694.4(PKHD1):c.4646_4650del (p.Tyr1549fs)

Genes: PKHD1 (PKHD1 ciliary IPT domain containing fibrocystin/polyductin; minus strand), LOC126859690 (MED14-independent group 3 enhancer GRCh37_chr6:51888848-51890047; plus strand). Cytogenetic location: 6p12.2.
Variant type: Deletion.
Coding change: c.4646_4650del on transcript NM_138694.4 (MANE Select); coding-DNA positions 4646 to 4650, 5 bases deleted (ACCTG; older notation c.4646_4650delACCTG).
Protein change: p.Tyr1549fs; shifts the reading frame from tyrosine 1549.
Molecular consequence: frameshift variant.
Genome position (GRCh38, 1-based): chr6:52,025,160-52,025,164, CAGGT deleted on the plus strand (ACCTG on the coding strand, the reverse complement: PKHD1 is on the minus strand). VCF-style (leftmost placement, unchanged base first): chr6-52025159-ACAGGT-A. GRCh37 (hg19) VCF-style: chr6-51889957-ACAGGT-A.
Other names: c.4646_4650del, p.Tyr1549fs (NM_170724.3); short protein forms Y1549fs.
Identifiers: ClinVar variation 4816670 (VCV004816670.1).
Genomic context (GRCh38, chr6:52,025,159, plus strand): 5'-TGTAGAAGTGTCTGGAAACATTACCAGAACAAGCATACCCATTTCTTGTATAAAAAACTG[ACAGGT>A]AGTGGGGTCCTGGGGCCAAGTCTCTTGTCTGGCACACAACGTGGCTTGCATTAAAAAAAG-3'

ClinVar aggregate classification (germline): Likely pathogenic (1 of 4 stars; one submission).

Conditions:
Autosomal recessive polycystic kidney disease (ARPKD). Also called: AR polycystic kidney disease. Identifiers: Orphanet 731, Orphanet 8378, MedGen C0085548, MeSH D017044, MONDO:0009889.

Submission:

Natera, Inc.
Classification: Likely pathogenic for Autosomal recessive polycystic kidney disease. Last evaluated: 2025-11-06. Review status: criteria provided, single submitter. Criteria: Natera Variant Classification Schema (03/2026). Collection method: clinical testing. Allele origin: germline.
Comment: The c.4646_4650del variant in PKHD1 is a frameshift variant predicted to shift the reading frame beginning at codon 1549 and leads to a stop codon 14 codons downstream. This variant is expected to result in nonsense mediated decay, truncation, or a dysfunctional protein product. This variant is rare in the general population with a frequency below the threshold expected for the associated phenotype(s). Given the available evidence, this variant is classified as Likely Pathogenic.